The following is an entry in ClinVar:

ClinVar aggregate classification (germline): Uncertain significance (1 of 4 stars; one submission).

Submission:

GeneDx
Classification: Uncertain significance. Last evaluated: 2019-05-13. Review status: criteria provided, single submitter. Criteria: GeneDx Variant Classification Process June 2021. Collection method: clinical testing. Allele origin: germline. Affected: yes.
Comment: Not observed in large population cohorts (Lek et al., 2016); In silico analysis, which includes protein predictors and evolutionary conservation, supports that this variant does not alter protein structure/function; Has not been previously published as pathogenic or benign to our knowledge

NM_139215.3(TAF15):c.1320_1346del (p.442SGGGYGGDR[1])

Gene: TAF15 (TATA-box binding protein associated factor 15; plus strand). Cytogenetic location: 17q12.
Variant type: Deletion.
Coding change: c.1320_1346del on transcript NM_139215.3 (MANE Select); coding-DNA positions 1320 to 1346, 27 bases deleted (TAGAAGTGGGGGCGGCTATGGTGGAGA).
Protein change: p.442SGGGYGGDR[1].
Molecular consequence: inframe deletion.
Genome position (GRCh38, 1-based): chr17:35,844,619-35,844,645, TAGAAGTGGGGGCGGCTATGGTGGAGA deleted; deleting any 27 consecutive bases within chr17:35,844,614-35,844,645 gives the same sequence; the c. name uses the placement nearest the transcript's 3' end. VCF-style (leftmost placement, unchanged base first): chr17-35844613-CGGAGATAGAAGTGGGGGCGGCTATGGT-C. GRCh37 (hg19) VCF-style: chr17-34171617-CGGAGATAGAAGTGGGGGCGGCTATGGT-C.
Other names: c.1311_1337del, p.439SGGGYGGDR[1] (NM_003487.4).
Identifiers: ClinVar variation 1305799 (VCV001305799.2), dbSNP rs1410671928, ClinGen allele CA728397139.